The following is an entry in ClinVar:

ClinVar aggregate classification (germline): Uncertain significance. Review status: criteria provided, multiple submitters, no conflicts (2 of 4 stars). 3 submissions from 3 submitters: Uncertain significance (3). Last evaluated 2025-12-29.

Conditions:
Dyskeratosis congenita, autosomal dominant 6 (DKCA6). Identifiers: Orphanet 3322, MedGen C4225284, MONDO:0014690, OMIM 616553.
Inborn genetic diseases. Identifiers: MedGen C0950123, MeSH D030342.

Allele frequency attached by ClinVar (database versions not stated): gnomAD exomes below 0.00001.

Submissions (3):

Center for Genomic Medicine, Rigshospitalet, Copenhagen University Hospital
Classification: Uncertain significance. Last evaluated: 2025-12-29. Review status: criteria provided, single submitter. Criteria: ACMG Guidelines, 2015. Collection method: clinical testing. Allele origin: germline.

Labcorp Genetics (formerly Invitae), Labcorp
Classification: Uncertain significance for Dyskeratosis congenita, autosomal dominant 6. Last evaluated: 2025-02-18. Review status: criteria provided, single submitter. Criteria: Invitae Variant Classification Sherloc (09022015). Collection method: clinical testing. Allele origin: germline.
Comment: This sequence change replaces proline, which is neutral and non-polar, with leucine, which is neutral and non-polar, at codon 426 of the ACD protein (p.Pro426Leu). This variant is not present in population databases (gnomAD no frequency). This variant has not been reported in the literature in individuals affected with ACD-related conditions. ClinVar contains an entry for this variant (Variation ID: 1697766). Invitae Evidence Modeling of protein sequence and biophysical properties (such as structural, functional, and spatial information, amino acid conservation, physicochemical variation, residue mobility, and thermodynamic stability) indicates that this missense variant is not expected to disrupt ACD protein function with a negative predictive value of 80%. In summary, the available evidence is currently insufficient to determine the role of this variant in disease. Therefore, it has been classified as a Variant of Uncertain Significance.

Ambry Genetics
Classification: Uncertain significance for Inborn genetic diseases. Last evaluated: 2024-11-17. Review status: criteria provided, single submitter. Criteria: Ambry Variant Classification Scheme 2023. Collection method: clinical testing. Allele origin: germline.
Comment: The p.P426L variant (also known as c.1277C>T), located in coding exon 10 of the ACD gene, results from a C to T substitution at nucleotide position 1277. The proline at codon 426 is replaced by leucine, an amino acid with similar properties. This amino acid position is conserved. In addition, this alteration is predicted to be tolerated by in silico analysis. Since supporting evidence is limited at this time, the clinical significance of this alteration remains unclear.

NM_001082486.2(ACD):c.1019C>T (p.Pro340Leu)

Gene: ACD (ACD shelterin complex subunit and telomerase recruitment factor; minus strand). Cytogenetic location: 16q22.1.
Variant type: single nucleotide variant.
Coding change: c.1019C>T on transcript NM_001082486.2 (MANE Select); coding-DNA position 1019, C replaced by T.
Protein change: p.Pro340Leu; replaces proline 340 with leucine.
Molecular consequence: missense variant.
Genome position (GRCh38, 1-based): chr16:67,658,173, G>A on the plus strand (C>T on the coding strand, the complement: ACD is on the minus strand). VCF-style: chr16-67658173-G-A. GRCh37 (hg19) VCF-style: chr16-67692076-G-A.
Other names: c.1277C>T (NM_001082486.1); c.1010C>T, p.Pro337Leu (NM_022914.3); short protein forms P337L, P340L.
Identifiers: ClinVar variation 1697766 (VCV001697766.14), dbSNP rs2142968039, ClinGen allele CA396352473.